The following is an entry in ClinVar:

ClinVar aggregate classification (germline): Uncertain significance (1 of 4 stars; one submission).

Submission:

Labcorp Genetics (formerly Invitae), Labcorp
Classification: Uncertain significance. Last evaluated: 2022-08-20. Review status: criteria provided, single submitter. Criteria: Invitae Variant Classification Sherloc (09022015). Collection method: clinical testing. Allele origin: germline.
Comment: This sequence change replaces phenylalanine, which is neutral and non-polar, with leucine, which is neutral and non-polar, at codon 340 of the SLC25A3 protein (p.Phe340Leu). This variant is not present in population databases (gnomAD no frequency). This variant has not been reported in the literature in individuals affected with SLC25A3-related conditions. Algorithms developed to predict the effect of missense changes on protein structure and function are either unavailable or do not agree on the potential impact of this missense change (SIFT: "Tolerated"; PolyPhen-2: "Probably Damaging"; Align-GVGD: "Class C0"). In summary, the available evidence is currently insufficient to determine the role of this variant in disease. Therefore, it has been classified as a Variant of Uncertain Significance.

NM_002635.4(SLC25A3):c.1017C>A (p.Phe339Leu)

Gene: SLC25A3 (solute carrier family 25 member 3; plus strand). Cytogenetic location: 12q23.1.
Variant type: single nucleotide variant.
Coding change: c.1017C>A on transcript NM_002635.4 (MANE Select); coding-DNA position 1017, C replaced by A.
Protein change: p.Phe339Leu; replaces phenylalanine 339 with leucine.
Molecular consequence: missense variant.
Genome position (GRCh38, 1-based): chr12:98,601,459, C>A. VCF-style: chr12-98601459-C-A. GRCh37 (hg19) VCF-style: chr12-98995237-C-A.
Other names: c.1020C>A, p.Phe340Leu (NM_005888.4); c.1017C>A, p.Phe339Leu (NM_213611.3); short protein forms F339L, F340L.
Identifiers: ClinVar variation 1717199 (VCV001717199.5), dbSNP rs370219231, ClinGen allele CA386169969.